The following is an entry in ClinVar:

ClinVar aggregate classification (germline): Likely benign. Review status: criteria provided, multiple submitters, no conflicts (2 of 4 stars). 2 submissions from 2 submitters: Likely benign (2). Last evaluated 2026-01-19.

Conditions:
UBR1-related disorder. Also called: UBR1-related condition.

Allele frequency attached by ClinVar (database versions not stated): gnomAD exomes 0.00001 and 0.00003; ExAC 0.00005; 1000 Genomes Project 30x 0.00016; TOPMed 0.00017; gnomAD 0.00018 and 0.00020; 1000 Genomes Project 0.00020; ESP Exome Variant Server 0.00023.
gnomAD v4.1: 35 of 1,613,654 alleles (0.0022%); highest among the groups gnomAD compares: African/African-American, 0.045%; no homozygotes.

Submissions (2):

Labcorp Genetics (formerly Invitae), Labcorp
Classification: Likely benign. Last evaluated: 2026-01-19. Review status: criteria provided, single submitter. Criteria: Invitae Variant Classification Sherloc (09022015). Collection method: clinical testing. Allele origin: germline.

PreventionGenetics, part of Exact Sciences
Classification: Likely benign for UBR1-related condition. Last evaluated: 2024-11-03. Review status: criteria provided, single submitter. Criteria: ACMG Guidelines, 2015. Collection method: clinical testing. Allele origin: germline.
Comment: This variant is classified as likely benign based on ACMG/AMP sequence variant interpretation guidelines (Richards et al. 2015 PMID: 25741868, with internal and published modifications).

NM_174916.3(UBR1):c.2124G>A (p.Leu708=)

Gene: UBR1 (ubiquitin protein ligase E3 component n-recognin 1; minus strand). Cytogenetic location: 15q15.2.
Variant type: single nucleotide variant.
Coding change: c.2124G>A on transcript NM_174916.3 (MANE Select); coding-DNA position 2124, G replaced by A.
Protein change: p.Leu708=; no amino-acid change (leucine 708 retained).
Molecular consequence: synonymous variant.
Genome position (GRCh38, 1-based): chr15:43,036,244, C>T on the plus strand (G>A on the coding strand, the complement: UBR1 is on the minus strand). VCF-style: chr15-43036244-C-T. GRCh37 (hg19) VCF-style: chr15-43328442-C-T.
Other names: c.2124G>A (NM_174916.2).
Identifiers: ClinVar variation 1590634 (VCV001590634.9), dbSNP rs139911360, ClinGen allele CA7518552.